The following is an entry in ClinVar:

ClinVar aggregate classification (germline): Uncertain significance (1 of 4 stars; one submission).

Conditions:
Ataxia-telangiectasia syndrome (AT). Also called: Cerebello-oculocutaneous telangiectasia; Immunodeficiency with ataxia telangiectasia; Ataxia-telangiectasia, complementation group E; Ataxia-telangiectasia, complementation group D; AT, COMPLEMENTATION GROUP C; ATAXIA-TELANGIECTASIA, COMPLEMENTATION GROUP A. Identifiers: Orphanet 100, MedGen C0004135, MONDO:0008840, OMIM 208900.

Allele frequency attached by ClinVar (database versions not stated): gnomAD 0.00001; TOPMed 0.00001.
gnomAD v4.1: 2 of 1,613,980 alleles (0.00012%); highest among the groups gnomAD compares: Middle Eastern, 0.016%; no homozygotes.

Submission:

Labcorp Genetics (formerly Invitae), Labcorp
Classification: Uncertain significance for Ataxia-telangiectasia syndrome. Last evaluated: 2024-08-17. Review status: criteria provided, single submitter. Criteria: Invitae Variant Classification Sherloc (09022015). Collection method: clinical testing. Allele origin: germline.
Comment: This sequence change replaces glutamic acid, which is acidic and polar, with lysine, which is basic and polar, at codon 2156 of the ATM protein (p.Glu2156Lys). This variant is not present in population databases (gnomAD no frequency). This variant has not been reported in the literature in individuals affected with ATM-related conditions. ClinVar contains an entry for this variant (Variation ID: 524251). An algorithm developed to predict the effect of missense changes on protein structure and function (PolyPhen-2) suggests that this variant is likely to be tolerated. In summary, the available evidence is currently insufficient to determine the role of this variant in disease. Therefore, it has been classified as a Variant of Uncertain Significance.

NM_000051.4(ATM):c.6466G>A (p.Glu2156Lys)

Genes: ATM (ATM serine/threonine kinase; plus strand), C11orf65 (chromosome 11 open reading frame 65; minus strand). Cytogenetic location: 11q22.3.
Variant type: single nucleotide variant.
Coding change: c.6466G>A on transcript NM_000051.4 (MANE Select); coding-DNA position 6466, G replaced by A.
Protein change: p.Glu2156Lys; replaces glutamic acid 2156 with lysine.
Molecular consequence: missense variant. On other transcripts: intron variant (2).
Genome position (GRCh38, 1-based): chr11:108,321,314, G>A. VCF-style: chr11-108321314-G-A. GRCh37 (hg19) VCF-style: chr11-108192041-G-A.
Other names: c.6466G>A, p.Glu2156Lys (NM_001351834.2); c.641-12243C>T (NM_001330368.2); c.*39-12243C>T (NM_001351110.2); short protein forms E2156K.
Identifiers: ClinVar variation 524251 (VCV000524251.9), dbSNP rs1328099740, ClinGen allele CA382553872.